The following is an entry in ClinVar:

NM_031466.8(TRAPPC9):c.-162C>A

Gene: TRAPPC9 (trafficking protein particle complex subunit 9; minus strand). Cytogenetic location: 8q24.3.
Variant type: single nucleotide variant.
Coding change: c.-162C>A on transcript NM_031466.8; 162 bases upstream of the start codon, C replaced by A.
Molecular consequence: 5 prime UTR variant.
Genome position (GRCh38, 1-based): chr8:140,458,432, G>T on the plus strand (C>A on the coding strand, the complement: TRAPPC9 is on the minus strand). VCF-style: chr8-140458432-G-T. GRCh37 (hg19) VCF-style: chr8-141468531-G-T.
Identifiers: ClinVar variation 1770316 (VCV001770316.2), dbSNP rs2071787076, ClinGen allele CA372321176.
Genomic context (GRCh38, chr8:140,458,432, plus strand): 5'-ACCCCCTGTGACCCTCACGGTACCCCCCGTGACTCCCACGGTCGTGCCCCCCACGTGGGT[G>T]GGTGACCGTGGCGCGCGCGGCCTGGGAGCGCCTCCAGGATCGCAGGGCCCGGGAGGCACG-3'

ClinVar aggregate classification (germline): Uncertain significance (1 of 4 stars; one submission).

Conditions:
Inborn genetic diseases. Identifiers: MedGen C0950123, MeSH D030342.

Allele frequency attached by ClinVar (database versions not stated): gnomAD exomes 0.00001.
gnomAD v4.1: 13 of 1,585,816 alleles (0.00082%); highest among the groups gnomAD compares: Non-Finnish European, 0.0011%; no homozygotes.

Submission:

Ambry Genetics
Classification: Uncertain significance for Inborn genetic diseases. Last evaluated: 2017-10-04. Review status: criteria provided, single submitter. Criteria: Ambry Variant Classification Scheme 2023. Collection method: clinical testing. Allele origin: germline.
Comment: The p.H45N variant (also known as c.133C>A), located in coding exon 1 of the TRAPPC9 gene, results from a C to A substitution at nucleotide position 133. The histidine at codon 45 is replaced by asparagine, an amino acid with similar properties. This amino acid position is not well conserved in available vertebrate species. In addition, this alteration is predicted to be tolerated by in silico analysis. Since supporting evidence is limited at this time, the clinical significance of this alteration remains unclear.